The following is an entry in ClinVar:

ClinVar aggregate classification (germline): Uncertain significance. Review status: criteria provided, multiple submitters, no conflicts (2 of 4 stars). 2 submissions from 2 submitters: Uncertain significance (2). Last evaluated 2025-12-09.

Conditions:
Inborn genetic diseases. Identifiers: MedGen C0950123, MeSH D030342.
Hepatic veno-occlusive disease-immunodeficiency syndrome. Also called: Hepatic Veno-Occlusive Disease with Immunodeficiency. Identifiers: Orphanet 79124, MedGen C1856128, MONDO:0009338, OMIM 235550. Disease mechanism: loss of function.

Allele frequency attached by ClinVar (database versions not stated): ESP Exome Variant Server 0.00015; 1000 Genomes Project 30x 0.00031; 1000 Genomes Project 0.00040.
gnomAD v4.1: 22 of 1,614,010 alleles (0.0014%); highest among the groups gnomAD compares: African/African-American, 0.025%; no homozygotes.

Submissions (2):

Ambry Genetics
Classification: Uncertain significance for Inborn genetic diseases. Last evaluated: 2025-12-09. Review status: criteria provided, single submitter. Criteria: Ambry Variant Classification Scheme 2023. Collection method: clinical testing. Allele origin: germline.

Labcorp Genetics (formerly Invitae), Labcorp
Classification: Uncertain significance for Hepatic veno-occlusive disease-immunodeficiency syndrome. Last evaluated: 2022-04-11. Review status: criteria provided, single submitter. Criteria: Invitae Variant Classification Sherloc (09022015). Collection method: clinical testing. Allele origin: germline.
Comment: This sequence change replaces methionine, which is neutral and non-polar, with leucine, which is neutral and non-polar, at codon 409 of the SP110 protein (p.Met409Leu). This variant is present in population databases (rs150627628, gnomAD 0.02%). This variant has not been reported in the literature in individuals affected with SP110-related conditions. Algorithms developed to predict the effect of missense changes on protein structure and function are either unavailable or do not agree on the potential impact of this missense change (SIFT: "Deleterious"; PolyPhen-2: "Benign"; Align-GVGD: "Class C0"). In summary, the available evidence is currently insufficient to determine the role of this variant in disease. Therefore, it has been classified as a Variant of Uncertain Significance.

NM_080424.4(SP110):c.1225A>T (p.Met409Leu)

Gene: SP110 (SP110 nuclear body protein; minus strand). Cytogenetic location: 2q37.1.
Variant type: single nucleotide variant.
Coding change: c.1225A>T on transcript NM_080424.4 (MANE Select); coding-DNA position 1225, A replaced by T.
Protein change: p.Met409Leu; replaces methionine 409 with leucine.
Molecular consequence: missense variant.
Genome position (GRCh38, 1-based): chr2:230,186,048, T>A on the plus strand (A>T on the coding strand, the complement: SP110 is on the minus strand). VCF-style: chr2-230186048-T-A. GRCh37 (hg19) VCF-style: chr2-231050764-T-A.
Other names: c.1243A>T, p.Met415Leu (NM_001185015.2, NM_001378442.1, NM_001378444.1 and 2 more transcripts); c.1225A>T, p.Met409Leu (NM_001378443.1, NM_004509.5, NM_004510.4); c.1075A>T, p.Met359Leu (NM_001378447.1); c.1225A>T (NM_004509.3); short protein forms M409L, M415L, M359L.
Identifiers: ClinVar variation 2054465 (VCV002054465.2), dbSNP rs150627628, ClinGen allele CA2154588.
Genomic context (GRCh38, chr2:230,186,048, plus strand): 5'-CCTTACCTTTCAATCTGGACTTTCGGGCACATTTAGTTCTTGCCTTTTGGACCCTCATCA[T>A]GACCTCTGAGTTCCAGGTTGAGTCGTCTTTCCTTTGAGTCACCTTATCCACCACTTGGAG-3'
Protein context (NP_536349.3, residues 399-419): KDDSTWNSEV[Met409Leu]MRVQKARTKC